The following is an entry in ClinVar:

NM_001242957.3(MAK):c.28T>C (p.Leu10=)

Gene: MAK (male germ cell associated kinase; minus strand). Cytogenetic location: 6p24.2.
Variant type: single nucleotide variant.
Coding change: c.28T>C on transcript NM_001242957.3 (MANE Select); coding-DNA position 28, T replaced by C.
Protein change: p.Leu10=; no amino-acid change (leucine 10 retained).
Molecular consequence: synonymous variant. On other transcripts: non-coding transcript variant (2), intron variant (1).
Genome position (GRCh38, 1-based): chr6:10,830,621, A>G on the plus strand (T>C on the coding strand, the complement: MAK is on the minus strand). VCF-style: chr6-10830621-A-G. GRCh37 (hg19) VCF-style: chr6-10830854-A-G.
Other names: c.28T>C, p.Leu10= (NM_001242385.2, NM_005906.6); c.-2+7882T>C (NM_001377262.1).
Identifiers: ClinVar variation 734315 (VCV000734315.12), dbSNP rs202067704, ClinGen allele CA3633853.

ClinVar aggregate classification (germline): Benign/Likely benign. Review status: criteria provided, multiple submitters, no conflicts (2 of 4 stars). 3 submissions from 3 submitters: Benign (1); Likely benign (2). Last evaluated 2026-02-02.

Conditions:
MAK-related disorder. Also called: MAK-related condition.

Allele frequency attached by ClinVar (database versions not stated): ExAC 0.00008; gnomAD exomes 0.00023; TOPMed 0.00049; gnomAD 0.00052 and 0.00056.
gnomAD v4.1: 204 of 1,613,932 alleles (0.013%); highest among the groups gnomAD compares: Admixed American, 0.2%; 1 homozygote.

Submissions (3):

Labcorp Genetics (formerly Invitae), Labcorp
Classification: Benign. Last evaluated: 2026-02-02. Review status: criteria provided, single submitter. Criteria: Invitae Variant Classification Sherloc (09022015). Collection method: clinical testing. Allele origin: germline.

PreventionGenetics, part of Exact Sciences
Classification: Likely benign for MAK-related condition. Last evaluated: 2025-01-23. Review status: criteria provided, single submitter. Criteria: ACMG Guidelines, 2015. Collection method: clinical testing. Allele origin: germline.
Comment: This variant is classified as likely benign based on ACMG/AMP sequence variant interpretation guidelines (Richards et al. 2015 PMID: 25741868, with internal and published modifications).

Blueprint Genetics
Classification: Likely benign. Last evaluated: 2024-07-15. Review status: criteria provided, single submitter. Criteria: ACMG Guidelines, 2015. Collection method: clinical testing. Allele origin: germline.